The following is an entry in ClinVar:

ClinVar aggregate classification (germline): Uncertain significance (1 of 4 stars; one submission).

Submission:

GeneDx
Classification: Uncertain significance. Last evaluated: 2026-03-24. Review status: criteria provided, single submitter. Criteria: GeneDx Variant Classification Process June 2021. Collection method: clinical testing. Allele origin: germline.
Comment: Not observed at significant frequency in large population cohorts (gnomAD); In silico analysis supports that this missense variant has a deleterious effect on protein structure/function; Has not been previously published as pathogenic or benign to our knowledge; This variant is associated with the following publications: (PMID: 27839871)

NM_000834.5(GRIN2B):c.1313A>G (p.Lys438Arg)

Gene: GRIN2B (glutamate ionotropic receptor NMDA type subunit 2B; minus strand). Cytogenetic location: 12p13.1.
Variant type: single nucleotide variant.
Coding change: c.1313A>G on transcript NM_000834.5 (MANE Select); coding-DNA position 1313, A replaced by G.
Protein change: p.Lys438Arg; replaces lysine 438 with arginine.
Molecular consequence: missense variant.
Genome position (GRCh38, 1-based): chr12:13,616,470, T>C on the plus strand (A>G on the coding strand, the complement: GRIN2B is on the minus strand). VCF-style: chr12-13616470-T-C. GRCh37 (hg19) VCF-style: chr12-13769404-T-C.
Other names: c.1313A>G, p.Lys438Arg (NM_001413992.1); short protein forms K438R.
Identifiers: ClinVar variation 5017129 (VCV005017129.1).
Genomic context (GRCh38, chr12:13,616,470, plus strand): 5'-GCTGACTCTCCCATGCCACCCAAAGTCATTGAGAGGATGCCATACTCAGTGACTATGCGT[T>C]TTTGGCAGGGGACTGTGTTCCTCATGCAGGTTCCACTCAGAGGGTCCACACTTTCCACAA-3'
Protein context (NP_000825.2, residues 428-448): TCMRNTVPCQ[Lys438Arg]RIVTENKTDE